The following is an entry in ClinVar:

NM_003640.5(ELP1):c.1925C>T (p.Thr642Met)

Gene: ELP1 (elongator acetyltransferase complex subunit 1; minus strand). Cytogenetic location: 9q31.3.
Variant type: single nucleotide variant.
Coding change: c.1925C>T on transcript NM_003640.5 (MANE Select); coding-DNA position 1925, C replaced by T.
Protein change: p.Thr642Met; replaces threonine 642 with methionine.
Molecular consequence: missense variant.
Genome position (GRCh38, 1-based): chr9:108,901,514, G>A on the plus strand (C>T on the coding strand, the complement: ELP1 is on the minus strand). VCF-style: chr9-108901514-G-A. GRCh37 (hg19) VCF-style: chr9-111663794-G-A.
Other names: c.1925C>T (NM_003640.4, LRG_251t1); c.1583C>T, p.Thr528Met (NM_001318360.2); c.878C>T, p.Thr293Met (NM_001330749.2); short protein forms T642M, T528M, T293M.
Identifiers: ClinVar variation 526187 (VCV000526187.8), dbSNP rs377020122, ClinGen allele CA5174832.

ClinVar aggregate classification (germline): Uncertain significance. Review status: criteria provided, multiple submitters, no conflicts (2 of 4 stars). 5 submissions from 5 submitters: Uncertain significance (4). 1 of the submissions does not count toward it. Last evaluated 2026-06-22.

Conditions:
ELP1-related disorder. Also called: ELP1-related condition.
Familial dysautonomia. Also called: HSAN III; FD. Identifiers: Orphanet 1764, MedGen C0013364, MONDO:0009131, OMIM 223900. Disease mechanism: loss of function.
Medulloblastoma (MDB). Also called: MEDULLOBLASTOMA PREDISPOSITION SYNDROME; Medulloblastoma, somatic. Identifiers: Orphanet 616, MedGen C0025149, MeSH D008527, MONDO:0007959, OMIM 155255, HP:0002885.

Allele frequency attached by ClinVar (database versions not stated): gnomAD 0.00003 and 0.00004; TOPMed 0.00003; ESP Exome Variant Server 0.00008.
gnomAD v4.1: 115 of 1,613,670 alleles (0.0071%); highest among the groups gnomAD compares: South Asian, 0.02%; no homozygotes.

Submissions (5):

PreventionGenetics, part of Exact Sciences
Classification: Uncertain significance for ELP1-related condition. Last evaluated: 2026-06-22. Review status: criteria provided, single submitter. Criteria: ACMG Guidelines, 2015. Collection method: clinical testing. Allele origin: germline.
Comment: The ELP1 c.1925C>T variant is predicted to result in the amino acid substitution p.Thr642Met. To our knowledge, this variant has not been reported in the literature. This variant is reported in 0.036% of alleles in individuals of South Asian descent in gnomAD. Although we suspect that this variant may be benign, at this time, the clinical significance of this variant is uncertain due to the absence of conclusive functional and genetic evidence.

Labcorp Genetics (formerly Invitae), Labcorp
Classification: Uncertain significance. Last evaluated: 2022-07-22. Review status: criteria provided, single submitter. Criteria: Invitae Variant Classification Sherloc (09022015). Collection method: clinical testing. Allele origin: germline.
Comment: This sequence change replaces threonine, which is neutral and polar, with methionine, which is neutral and non-polar, at codon 642 of the ELP1 protein (p.Thr642Met). This variant is present in population databases (rs377020122, gnomAD 0.04%). This variant has not been reported in the literature in individuals affected with ELP1-related conditions. ClinVar contains an entry for this variant (Variation ID: 526187). Algorithms developed to predict the effect of missense changes on protein structure and function output the following: SIFT: "Deleterious"; PolyPhen-2: "Benign"; Align-GVGD: "Class C0". The methionine amino acid residue is found in multiple mammalian species, which suggests that this missense change does not adversely affect protein function. In summary, the available evidence is currently insufficient to determine the role of this variant in disease. Therefore, it has been classified as a Variant of Uncertain Significance.

Fulgent Genetics
Classification: Uncertain significance for Medulloblastoma; Familial dysautonomia. Last evaluated: 2022-03-01. Review status: criteria provided, single submitter. Criteria: ACMG Guidelines, 2015. Collection method: clinical testing. Allele origin: unknown.

Ambry Genetics
Classification: Uncertain significance. Last evaluated: 2022-02-11. Review status: criteria provided, single submitter. Criteria: Ambry Variant Classification Scheme 2023. Collection method: clinical testing. Allele origin: germline.

Natera, Inc.
Classification: Uncertain significance for Hereditary sensory and autonomic neuropathy type III. Last evaluated: 2020-01-24. Review status: no assertion criteria provided. Collection method: clinical testing. Allele origin: germline. Not counted in ClinVar's aggregate classification.